The following is an entry in ClinVar:

ClinVar aggregate classification (germline): Uncertain significance (1 of 4 stars; one submission).

Submission:

Labcorp Genetics (formerly Invitae), Labcorp
Classification: Uncertain significance. Last evaluated: 2024-01-25. Review status: criteria provided, single submitter. Criteria: Invitae Variant Classification Sherloc (09022015). Collection method: clinical testing. Allele origin: germline.
Comment: This sequence change replaces glycine, which is neutral and non-polar, with glutamic acid, which is acidic and polar, at codon 92 of the CD81 protein (p.Gly92Glu). This variant is not present in population databases (gnomAD no frequency). This variant has not been reported in the literature in individuals affected with CD81-related conditions. An algorithm developed to predict the effect of missense changes on protein structure and function (PolyPhen-2) suggests that this variant is likely to be disruptive. In summary, the available evidence is currently insufficient to determine the role of this variant in disease. Therefore, it has been classified as a Variant of Uncertain Significance.

NM_004356.4(CD81):c.275G>A (p.Gly92Glu)

Gene: CD81 (CD81 molecule; plus strand). Cytogenetic location: 11p15.5.
Variant type: single nucleotide variant.
Coding change: c.275G>A on transcript NM_004356.4 (MANE Select); coding-DNA position 275, G replaced by A.
Protein change: p.Gly92Glu; replaces glycine 92 with glutamic acid.
Molecular consequence: missense variant.
Genome position (GRCh38, 1-based): chr11:2,394,188, G>A. VCF-style: chr11-2394188-G-A. GRCh37 (hg19) VCF-style: chr11-2415418-G-A.
Other names: c.275G>A, p.Gly92Glu (NM_001425137.1, NM_001425135.1); c.62G>A, p.Gly21Glu (NM_001425138.1, NM_001297649.2, NM_001425129.1 and 4 more transcripts); short protein forms G21E, G92E.
Identifiers: ClinVar variation 3008960 (VCV003008960.3), dbSNP rs1284032868, ClinGen allele CA379123386.